The following is an entry in ClinVar:

NM_000020.3(ACVRL1):c.325_356del (p.Pro109fs)

Gene: ACVRL1 (activin A receptor like type 1; plus strand). Cytogenetic location: 12q13.13.
Variant type: Deletion.
Coding change: c.325_356del on transcript NM_000020.3 (MANE Select); coding-DNA positions 325 to 356, 32 bases deleted.
Protein change: p.Pro109fs; shifts the reading frame from proline 109.
Molecular consequence: frameshift variant. On other transcripts: intron variant (6).
Genome position (GRCh38, 1-based): chr12:51,913,570-51,913,601, 32 bases deleted; deleting any 32 consecutive bases within chr12:51,913,568-51,913,601 gives the same sequence; the c. name uses the placement nearest the transcript's 3' end. GRCh37 (hg19): chr12:52,307,354-52,307,385.
Other names: c.325_356del, p.Pro109fs (NM_001077401.2, NM_001406487.1, NM_001406488.1 and 1 more transcripts); c.313+220_313+251del (NM_001406491.1, NM_001406490.1, NM_001406492.1 and 2 more transcripts); c.62-869_62-838del (NM_001406495.1); short protein forms P109fs.
Identifiers: ClinVar variation 3723755 (VCV003723755.2).

ClinVar aggregate classification (germline): Pathogenic (1 of 4 stars; one submission).

Conditions:
Telangiectasia, hereditary hemorrhagic, type 2 (HHT2). Also called: Telangiectasia, hereditary hemorrhagic, type II; ACVRL1-Related Hereditary Hemorrhagic Telangiectasia. Identifiers: Orphanet 774, MedGen C1838163, MONDO:0010880, OMIM 600376. Disease mechanism: loss of function.

Submission:

Labcorp Genetics (formerly Invitae), Labcorp
Classification: Pathogenic for Telangiectasia, hereditary hemorrhagic, type 2. Last evaluated: 2025-02-18. Review status: criteria provided, single submitter. Criteria: Invitae Variant Classification Sherloc (09022015). Collection method: clinical testing. Allele origin: germline.
Comment: This sequence change creates a premature translational stop signal (p.Pro109Glyfs*49) in the ACVRL1 gene. It is expected to result in an absent or disrupted protein product. Loss-of-function variants in ACVRL1 are known to be pathogenic (PMID: 15879500). This variant is not present in population databases (gnomAD no frequency). This variant has not been reported in the literature in individuals affected with ACVRL1-related conditions. For these reasons, this variant has been classified as Pathogenic.

Literature cited by the submitters: PubMed 15879500.